The following is an entry in ClinVar:

ClinVar aggregate classification (germline): Uncertain significance (1 of 4 stars; one submission).

Conditions:
Cardiomyopathy (CMYO). Also called: Cardiomyopathies. Identifiers: Orphanet 167848, MedGen C0878544, MONDO:0004994, HP:0001638. Inheritance: Various modes of inheritance.

gnomAD v4.1: 2 of 1,614,190 alleles (0.00012%); highest among the groups gnomAD compares: Non-Finnish European, 0.00017%; no homozygotes.

Submission:

Color Diagnostics, LLC DBA Color Health
Classification: Uncertain significance for Cardiomyopathy. Last evaluated: 2025-09-18. Review status: criteria provided, single submitter. Criteria: ACMG Guidelines, 2015. Collection method: clinical testing. Allele origin: germline.
Comment: This missense variant replaces asparagine with serine at codon 287 of the DSG2 protein. Computational prediction suggests that this variant may not impact protein structure and function. To our knowledge, functional studies have not been reported for this variant. This variant has not been reported in individuals affected with DSG2-related disorders in the literature. This variant has been identified in 1/249372 chromosomes in the general population by the Genome Aggregation Database (gnomAD). The available evidence is insufficient to determine the role of this variant in disease conclusively. Therefore, this variant is classified as a Variant of Uncertain Significance.

NM_001943.5(DSG2):c.860A>G (p.Asn287Ser)

Gene: DSG2 (desmoglein 2; plus strand). Cytogenetic location: 18q12.1.
Variant type: single nucleotide variant.
Coding change: c.860A>G on transcript NM_001943.5 (MANE Select); coding-DNA position 860, A replaced by G.
Protein change: p.Asn287Ser; replaces asparagine 287 with serine.
Molecular consequence: missense variant.
Genome position (GRCh38, 1-based): chr18:31,524,734, A>G. VCF-style: chr18-31524734-A-G. GRCh37 (hg19) VCF-style: chr18-29104697-A-G.
Other names: short protein forms N287S.
Identifiers: ClinVar variation 4756442 (VCV004756442.1).